The following is an entry in ClinVar:

ClinVar aggregate classification (germline): Uncertain significance (1 of 4 stars; one submission).

Submission:

GeneDx
Classification: Uncertain significance. Last evaluated: 2025-10-07. Review status: criteria provided, single submitter. Criteria: GeneDx Variant Classification Process June 2021. Collection method: clinical testing. Allele origin: germline.
Comment: Not observed at significant frequency in large population cohorts (gnomAD); In silico analysis suggests that this missense variant does not alter protein structure/function; Has not been previously published as pathogenic or benign to our knowledge

NM_030632.3(ASXL3):c.6147A>T (p.Glu2049Asp)

Gene: ASXL3 (ASXL transcriptional regulator 3; plus strand). Cytogenetic location: 18q12.1.
Variant type: single nucleotide variant.
Coding change: c.6147A>T on transcript NM_030632.3 (MANE Select); coding-DNA position 6147, A replaced by T.
Protein change: p.Glu2049Asp; replaces glutamic acid 2049 with aspartic acid.
Molecular consequence: missense variant.
Genome position (GRCh38, 1-based): chr18:33,745,995, A>T. VCF-style: chr18-33745995-A-T. GRCh37 (hg19) VCF-style: chr18-31325959-A-T.
Other names: short protein forms E2049D.
Identifiers: ClinVar variation 2430926 (VCV002430926.2), dbSNP rs2510934081, ClinGen allele CA402196227.